The following is an entry in ClinVar:

ClinVar aggregate classification (germline): Uncertain significance (1 of 4 stars; one submission).

Conditions:
Hereditary cancer-predisposing syndrome. Also called: Neoplastic Syndromes, Hereditary; Hereditary Cancer Syndrome; Hereditary neoplastic syndrome; Tumor predisposition. Identifiers: Orphanet 140162, MedGen C0027672, MeSH D009386, MONDO:0015356.

Submission:

Ambry Genetics
Classification: Uncertain significance for Hereditary cancer-predisposing syndrome. Last evaluated: 2023-04-18. Review status: criteria provided, single submitter. Criteria: Ambry Variant Classification Scheme 2023. Collection method: clinical testing. Allele origin: germline.
Comment: The p.L697F variant (also known as c.2091A>T), located in coding exon 15 of the TSC1 gene, results from an A to T substitution at nucleotide position 2091. The leucine at codon 697 is replaced by phenylalanine, an amino acid with highly similar properties. This amino acid position is conserved. In addition, this alteration is predicted to be deleterious by in silico analysis. Since supporting evidence is limited at this time, the clinical significance of this alteration remains unclear.

NM_000368.5(TSC1):c.2091A>T (p.Leu697Phe)

Gene: TSC1 (TSC complex subunit 1; minus strand). Cytogenetic location: 9q34.13.
Variant type: single nucleotide variant.
Coding change: c.2091A>T on transcript NM_000368.5 (MANE Select); coding-DNA position 2091, A replaced by T.
Protein change: p.Leu697Phe; replaces leucine 697 with phenylalanine.
Molecular consequence: missense variant. On other transcripts: non-coding transcript variant (4).
Genome position (GRCh38, 1-based): chr9:132,903,768, T>A on the plus strand (A>T on the coding strand, the complement: TSC1 is on the minus strand). VCF-style: chr9-132903768-T-A. GRCh37 (hg19) VCF-style: chr9-135779155-T-A.
Other names: c.2088A>T, p.Leu696Phe (NM_001162426.2, NM_001406597.1, NM_001406598.1 and 4 more transcripts); c.1938A>T, p.Leu646Phe (NM_001162427.2, NM_001406610.1); c.1728A>T, p.Leu576Phe (NM_001362177.2, NM_001406614.1, NM_001406615.1 and 5 more transcripts); c.2091A>T, p.Leu697Phe (NM_001406592.1, NM_001406593.1, NM_001406594.1 and 5 more transcripts); c.2076A>T, p.Leu692Phe (NM_001406601.1, NM_001406602.1); c.2073A>T, p.Leu691Phe (NM_001406603.1, NM_001406604.1); c.1935A>T, p.Leu645Phe (NM_001406611.1, NM_001406612.1, NM_001406613.1); c.1725A>T, p.Leu575Phe (NM_001406620.1, NM_001406621.1, NM_001406622.1 and 2 more transcripts); and 3 more; short protein forms L379F, L380F, L645F, L646F, L696F, L697F, L576F, L691F.
Identifiers: ClinVar variation 2562866 (VCV002562866.2), dbSNP rs2538657240, ClinGen allele CA375361074.